The following is an entry in ClinVar:

ClinVar aggregate classification (germline): Likely pathogenic (0 of 4 stars; one submission).

Conditions:
SHANK3-related disorder. Also called: SHANK3-related condition.

Submission:

PreventionGenetics, part of Exact Sciences
Classification: Likely pathogenic for SHANK3-related condition. Last evaluated: 2023-12-24. Review status: no assertion criteria provided. Collection method: clinical testing. Allele origin: germline.
Comment: The SHANK3 c.4818dupC variant is predicted to result in a frameshift and premature protein termination (p.Thr1607Hisfs*87). This variant has been reported to occur de novo in an individual with a history of autism, minimal verbal ability, and behavioral abnormalities (Table 2, Case 20, Trifiletti et al. 2022. PubMed ID: 35773312). It has not been reported in a large population database, indicating this variant is rare. Frameshift variants in SHANK3 are expected to be pathogenic. This variant is interpreted as likely pathogenic.

NM_001372044.2(SHANK3):c.5043dup (p.Thr1682fs)

Gene: SHANK3 (SH3 and multiple ankyrin repeat domains 3; plus strand). Cytogenetic location: 22q13.33.
Variant type: Duplication.
Coding change: c.5043dup on transcript NM_001372044.2 (MANE Select); coding-DNA position 5043, one base duplicated (C; older notation c.5043dupC).
Protein change: p.Thr1682fs; shifts the reading frame from threonine 1682.
Molecular consequence: frameshift variant.
Genome position (GRCh38, 1-based): chr22:50,730,934, C duplicated; the last of 6 consecutive C bases (chr22:50,730,929-50,730,934); duplicating any one gives the same sequence. VCF-style (leftmost placement, unchanged base first): chr22-50730928-G-GC. GRCh37 (hg19) VCF-style: chr22-51169356-G-GC.
Other names: c.4818dupC (NM_033517.1); short protein forms T1682fs.
Identifiers: ClinVar variation 3030259 (VCV003030259.2), dbSNP rs2518439217, ClinGen allele CA640359049.